The following is an entry in ClinVar:

ClinVar aggregate classification (germline): Uncertain significance (1 of 4 stars; one submission).

Conditions:
Congenital disorder of glycosylation type Ir (CDG1R). Also called: DDOST-congenital disorder of glycosylation. Identifiers: Orphanet 300536, MedGen C3281084, MONDO:0013789, OMIM 614507.

Allele frequency attached by ClinVar (database versions not stated): TOPMed below 0.00001; gnomAD 0.00001; gnomAD exomes 0.00001 and 0.00002; ExAC 0.00005.
gnomAD v4.1: 9 of 1,554,690 alleles (0.00058%); highest among the groups gnomAD compares: Admixed American, 0.0019%; no homozygotes.

Submission:

Labcorp Genetics (formerly Invitae), Labcorp
Classification: Uncertain significance for Congenital disorder of glycosylation type Ir. Last evaluated: 2024-02-17. Review status: criteria provided, single submitter. Criteria: Invitae Variant Classification Sherloc (09022015). Collection method: clinical testing. Allele origin: germline.
Comment: This sequence change replaces arginine, which is basic and polar, with cysteine, which is neutral and slightly polar, at codon 254 of the DDOST protein (p.Arg254Cys). This variant is present in population databases (rs748804145, gnomAD 0.005%). This variant has not been reported in the literature in individuals affected with DDOST-related conditions. ClinVar contains an entry for this variant (Variation ID: 1397292). An algorithm developed to predict the effect of missense changes on protein structure and function (PolyPhen-2) suggests that this variant is likely to be disruptive. In summary, the available evidence is currently insufficient to determine the role of this variant in disease. Therefore, it has been classified as a Variant of Uncertain Significance.

NM_005216.5(DDOST):c.709C>T (p.Arg237Cys)

Gene: DDOST (dolichyl-diphosphooligosaccharide--protein glycosyltransferase non-catalytic subunit; minus strand). Cytogenetic location: 1p36.12.
Variant type: single nucleotide variant.
Coding change: c.709C>T on transcript NM_005216.5 (MANE Select); coding-DNA position 709, C replaced by T.
Protein change: p.Arg237Cys; replaces arginine 237 with cysteine.
Molecular consequence: missense variant.
Genome position (GRCh38, 1-based): chr1:20,654,308, G>A on the plus strand (C>T on the coding strand, the complement: DDOST is on the minus strand). VCF-style: chr1-20654308-G-A. GRCh37 (hg19) VCF-style: chr1-20980801-G-A.
Other names: short protein forms R237C.
Identifiers: ClinVar variation 1397292 (VCV001397292.6), dbSNP rs748804145, ClinGen allele CA661142.